The following is an entry in ClinVar:

ClinVar aggregate classification (germline): Uncertain significance (1 of 4 stars; one submission).

Submission:

GeneDx
Classification: Uncertain significance. Last evaluated: 2022-12-28. Review status: criteria provided, single submitter. Criteria: GeneDx Variant Classification Process June 2021. Collection method: clinical testing. Allele origin: germline. Affected: yes.
Comment: Not observed at significant frequency in large population cohorts (gnomAD); In silico analysis supports that this variant does not alter splicing; Has not been previously published as pathogenic or benign to our knowledge

NM_013296.5(GPSM2):c.36T>C (p.His12=)

Gene: GPSM2 (G protein signaling modulator 2; plus strand). Cytogenetic location: 1p13.3.
Variant type: single nucleotide variant.
Coding change: c.36T>C on transcript NM_013296.5 (MANE Select); coding-DNA position 36, T replaced by C.
Protein change: p.His12=; no amino-acid change (histidine 12 retained).
Molecular consequence: synonymous variant.
Genome position (GRCh38, 1-based): chr1:108,885,558, T>C. VCF-style: chr1-108885558-T-C. GRCh37 (hg19) VCF-style: chr1-109428180-T-C.
Other names: c.36T>C, p.His12= (NM_001321038.2, NM_001321039.3).
Identifiers: ClinVar variation 2507280 (VCV002507280.1), dbSNP rs2524809826, ClinGen allele CA419331454.
Genomic context (GRCh38, chr1:108,885,558, plus strand): 5'-TTTATTCAGCTTATAATATGACTCGATGGAGGAAAATTTGATAAGCATGAGAGAAGACCA[T>C]TCTTTTCATGTTCGTTACAGGTAAGACTATTGCTGTCTTAATGGATGACTTTTAATCCTT-3'
Protein context (NP_037428.3, residues 2-22): EENLISMRED[His12=]SFHVRYRMEA